The following is an entry in ClinVar:

ClinVar aggregate classification (germline): Uncertain significance. Review status: criteria provided, single submitter (1 of 4 stars). 2 submissions from 2 submitters: Uncertain significance (1). 1 of the submissions does not count toward it. Last evaluated 2021-11-06.

Conditions:
GNPTG-mucolipidosis. Also called: Mucolipidosis type III gamma; MUCOLIPIDOSIS III, COMPLEMENTATION GROUP C; MUCOLIPIDOSIS III, IRANIAN VARIANT FORM; MUCOLIPIDOSIS III, VARIANT FORM; ML III GAMMA; ML IIIC. Identifiers: Orphanet 423470, Orphanet 577, MedGen C1854896, MONDO:0009652, OMIM 252605.

Allele frequency attached by ClinVar (database versions not stated): gnomAD exomes below 0.00001 and 0.00001; TOPMed below 0.00001; ExAC 0.00001; gnomAD 0.00001.

Submissions (2):

Labcorp Genetics (formerly Invitae), Labcorp
Classification: Uncertain significance. Last evaluated: 2021-11-06. Review status: criteria provided, single submitter. Criteria: Invitae Variant Classification Sherloc (09022015). Collection method: clinical testing. Allele origin: germline.
Comment: This sequence change replaces alanine, which is neutral and non-polar, with threonine, which is neutral and polar, at codon 160 of the GNPTG protein (p.Ala160Thr). This variant is present in population databases (rs756971692, gnomAD 0.003%). This variant has not been reported in the literature in individuals affected with GNPTG-related conditions. ClinVar contains an entry for this variant (Variation ID: 1027074). Algorithms developed to predict the effect of missense changes on protein structure and function (SIFT, PolyPhen-2, Align-GVGD) all suggest that this variant is likely to be tolerated. In summary, the available evidence is currently insufficient to determine the role of this variant in disease. Therefore, it has been classified as a Variant of Uncertain Significance.

Natera, Inc.
Classification: Uncertain significance for Mucolipidosis III gamma. Last evaluated: 2020-02-26. Review status: no assertion criteria provided. Collection method: clinical testing. Allele origin: germline. Not counted in ClinVar's aggregate classification.

NM_032520.5(GNPTG):c.478G>A (p.Ala160Thr)

Gene: GNPTG (N-acetylglucosamine-1-phosphate transferase subunit gamma; plus strand). Cytogenetic location: 16p13.3.
Variant type: single nucleotide variant.
Coding change: c.478G>A on transcript NM_032520.5 (MANE Select); coding-DNA position 478, G replaced by A.
Protein change: p.Ala160Thr; replaces alanine 160 with threonine.
Molecular consequence: missense variant.
Genome position (GRCh38, 1-based): chr16:1,362,272, G>A. VCF-style: chr16-1362272-G-A. GRCh37 (hg19) VCF-style: chr16-1412273-G-A.
Other names: short protein forms A160T.
Identifiers: ClinVar variation 1027074 (VCV001027074.5), dbSNP rs756971692, ClinGen allele CA7807720.
Genomic context (GRCh38, chr16:1,362,272, plus strand): 5'-CTGGCGTGTGGAAAAAGCAACCGGCTGGCCCATGTGTCCGAGCCGAGCACCTGCGTCTAC[G>A]CGCTGACGTTCGAGACCCCCCTCGTCTGCCACCCCCACGCCTTGCTAGGTAGGGGTGCGG-3'
Protein context (NP_115909.1, residues 150-170): HVSEPSTCVY[Ala160Thr]LTFETPLVCH